The following is an entry in ClinVar:

NM_000038.6(APC):c.7525C>T (p.Pro2509Ser)

Gene: APC (APC regulator of Wnt signaling pathway; plus strand). Cytogenetic location: 5q22.2.
Variant type: single nucleotide variant.
Coding change: c.7525C>T on transcript NM_000038.6 (MANE Select); coding-DNA position 7525, C replaced by T.
Protein change: p.Pro2509Ser; replaces proline 2509 with serine.
Molecular consequence: missense variant.
Genome position (GRCh38, 1-based): chr5:112,843,119, C>T. VCF-style: chr5-112843119-C-T. GRCh37 (hg19) VCF-style: chr5-112178816-C-T.
Other names: c.7525C>T, p.Pro2509Ser (NM_001127510.3, NM_001354895.2); c.7471C>T, p.Pro2491Ser (NM_001127511.3); c.7579C>T, p.Pro2527Ser (NM_001354896.2); c.7555C>T, p.Pro2519Ser (NM_001354897.2); c.7450C>T, p.Pro2484Ser (NM_001354898.2); c.7441C>T, p.Pro2481Ser (NM_001354899.2); c.7402C>T, p.Pro2468Ser (NM_001354900.2); c.7348C>T, p.Pro2450Ser (NM_001354901.2); and 5 more; short protein forms P2491S, P2509S, P2226S, P2481S, P2527S, P2519S, P2349S, P2418S.
Identifiers: ClinVar variation 433676 (VCV000433676.9), dbSNP rs1473460192, ClinGen allele CA16037691.
Genomic context (GRCh38, chr5:112,843,119, plus strand): 5'-CCTGATATGTCTCTATCCACACATTCGTCTGTTCAGGCTGGTGGATGGCGAAAACTCCCA[C>T]CTAATCTCAGTCCCACTATAGAGTATAATGATGGAAGACCAGCAAAGCGCCATGATATTG-3'
Protein context (NP_000029.2, residues 2499-2519): VQAGGWRKLP[Pro2509Ser]NLSPTIEYND

ClinVar aggregate classification (germline): Uncertain significance. Review status: criteria provided, multiple submitters, no conflicts (2 of 4 stars). 6 submissions from 6 submitters: Uncertain significance (5). 1 of the submissions does not count toward it. Last evaluated 2025-08-03.

Conditions:
Familial adenomatous polyposis 1 (FAP1). Also called: POLYPOSIS, ADENOMATOUS INTESTINAL; FAMILIAL ADENOMATOUS POLYPOSIS 1, ATTENUATED. Identifiers: MedGen C2713442, MONDO:0021056, OMIM 175100. Disease mechanism: loss of function.
Hereditary cancer-predisposing syndrome. Also called: Hereditary Cancer Syndrome; Hereditary neoplastic syndrome; Neoplastic Syndromes, Hereditary; Tumor predisposition. Identifiers: Orphanet 140162, MedGen C0027672, MeSH D009386, MONDO:0015356.
Classic or attenuated familial adenomatous polyposis. Identifiers: MedGen CN372698, MONDO:0021057.

Allele frequency attached by ClinVar (database versions not stated): gnomAD exomes below 0.00001; gnomAD 0.00001.
gnomAD v4.1: 8 of 1,613,930 alleles (0.0005%); highest among the groups gnomAD compares: South Asian, 0.0044%; 1 homozygote.

Submissions (6):

Labcorp Genetics (formerly Invitae), Labcorp
Classification: Uncertain significance for Familial adenomatous polyposis 1. Last evaluated: 2025-08-03. Review status: criteria provided, single submitter. Criteria: Invitae Variant Classification Sherloc (09022015). Collection method: clinical testing. Allele origin: germline.
Comment: This sequence change replaces proline, which is neutral and non-polar, with serine, which is neutral and polar, at codon 2509 of the APC protein (p.Pro2509Ser). This variant is present in population databases (no rsID available, gnomAD 0.003%). This variant has not been reported in the literature in individuals affected with APC-related conditions. ClinVar contains an entry for this variant (Variation ID: 433676). Invitae Evidence Modeling of protein sequence and biophysical properties (such as structural, functional, and spatial information, amino acid conservation, physicochemical variation, residue mobility, and thermodynamic stability) indicates that this missense variant is not expected to disrupt APC protein function with a negative predictive value of 95%. In summary, the available evidence is currently insufficient to determine the role of this variant in disease. Therefore, it has been classified as a Variant of Uncertain Significance.

All of Us Research Program, National Institutes of Health
Classification: Uncertain significance for Classic or attenuated familial adenomatous polyposis. Last evaluated: 2024-05-09. Review status: criteria provided, single submitter. Criteria: ACMG Guidelines, 2015. Collection method: clinical testing. Allele origin: germline. Inheritance: Autosomal dominant inheritance. Observed: 1 variant allele, 1 heterozygote.
Comment: This missense variant replaces proline with serine at codon 2509 of the APC protein. Computational prediction is inconclusive regarding the impact of this variant on protein structure and function (internally defined REVEL score threshold 0.5 < inconclusive < 0.7, PMID: 27666373). To our knowledge, functional studies have not been reported for this variant. This variant has not been reported in individuals affected with hereditary cancer in the literature. This variant has been identified in 2/282614 chromosomes in the general population by the Genome Aggregation Database (gnomAD). The available evidence is insufficient to determine the role of this variant in disease conclusively. Therefore, this variant is classified as a Variant of Uncertain Significance.

This study involves interpretation of variants in research participants for the purpose of population health screening. Participant phenotype was not available at the time of variant classification. Additional details can be found in publication PMID: 35346344, PMCID: PMC8962531

Baylor Genetics
Classification: Uncertain significance for Familial adenomatous polyposis 1. Last evaluated: 2024-01-01. Review status: criteria provided, single submitter. Criteria: ACMG Guidelines, 2015. Collection method: clinical testing. Allele origin: unknown.

Ambry Genetics
Classification: Uncertain significance for Hereditary cancer-predisposing syndrome. Last evaluated: 2023-03-13. Review status: criteria provided, single submitter. Criteria: Ambry Variant Classification Scheme 2023. Collection method: clinical testing. Allele origin: germline.
Comment: The p.P2509S variant (also known as c.7525C>T), located in coding exon 15 of the APC gene, results from a C to T substitution at nucleotide position 7525. The proline at codon 2509 is replaced by serine, an amino acid with similar properties. This amino acid position is well conserved in available vertebrate species. In addition, in silico predictors for this gene do not accurately predict pathogenicity. Since supporting evidence is limited at this time, the clinical significance of this alteration remains unclear.

Color Diagnostics, LLC DBA Color Health
Classification: Uncertain significance for Hereditary cancer-predisposing syndrome. Last evaluated: 2020-06-29. Review status: criteria provided, single submitter. Criteria: ACMG Guidelines, 2015. Collection method: clinical testing. Allele origin: germline.
Comment: This missense variant replaces proline with serine at codon 2509 of the APC protein. Computational prediction is inconclusive regarding the impact of this variant on protein structure and function (internally defined REVEL score threshold 0.5 < inconclusive < 0.7, PMID: 27666373). To our knowledge, functional studies have not been reported for this variant. This variant has not been reported in individuals affected with hereditary cancer in the literature. This variant has been identified in 2/282614 chromosomes in the general population by the Genome Aggregation Database (gnomAD). The available evidence is insufficient to determine the role of this variant in disease conclusively. Therefore, this variant is classified as a Variant of Uncertain Significance.

Department of Pathology and Laboratory Medicine, Sinai Health System
Classification: Uncertain significance. Review status: no assertion criteria provided. Collection method: clinical testing. Allele origin: unknown. Affected: yes. Study: The Canadian Open Genetics Repository (COGR). Not counted in ClinVar's aggregate classification.